The following is an entry in ClinVar:

NM_000171.4(GLRA1):c.1080C>T (p.Gly360=)

Gene: GLRA1 (glycine receptor alpha 1; minus strand). Cytogenetic location: 5q33.1.
Variant type: single nucleotide variant.
Coding change: c.1080C>T on transcript NM_000171.4 (MANE Select); coding-DNA position 1080, C replaced by T.
Protein change: p.Gly360=; no amino-acid change (glycine 360 retained).
Molecular consequence: synonymous variant.
Genome position (GRCh38, 1-based): chr5:151,822,943, G>A on the plus strand (C>T on the coding strand, the complement: GLRA1 is on the minus strand). VCF-style: chr5-151822943-G-A. GRCh37 (hg19) VCF-style: chr5-151202504-G-A.
Other names: c.1080C>T (NM_000171.3); c.1104C>T, p.Gly368= (NM_001146040.2); c.831C>T, p.Gly277= (NM_001292000.2).
Identifiers: ClinVar variation 1421053 (VCV001421053.9), dbSNP rs1763178853, ClinGen allele CA447226675.

ClinVar aggregate classification (germline): Likely benign. Review status: criteria provided, single submitter (1 of 4 stars). 2 submissions from 2 submitters: Likely benign (1). 1 of the submissions does not count toward it. Last evaluated 2024-07-15.

Conditions:
GLRA1-related disorder. Also called: GLRA1-related condition.
Hereditary hyperekplexia. Identifiers: Orphanet 3197, MedGen C4084968, MONDO:0021022.

Allele frequency attached by ClinVar (database versions not stated): TOPMed below 0.00001; gnomAD 0.00001; gnomAD exomes 0.00001.
gnomAD v4.1: 20 of 1,607,992 alleles (0.0012%); highest among the groups gnomAD compares: Non-Finnish European, 0.0016%; no homozygotes.

Submissions (2):

Labcorp Genetics (formerly Invitae), Labcorp
Classification: Likely benign for Hereditary hyperekplexia. Last evaluated: 2024-07-15. Review status: criteria provided, single submitter. Criteria: Invitae Variant Classification Sherloc (09022015). Collection method: clinical testing. Allele origin: germline.

PreventionGenetics, part of Exact Sciences
Classification: Likely benign for GLRA1-related condition. Last evaluated: 2020-12-04. Review status: no assertion criteria provided. Collection method: clinical testing. Allele origin: germline. Not counted in ClinVar's aggregate classification.
Comment: This variant is classified as likely benign based on ACMG/AMP sequence variant interpretation guidelines (Richards et al. 2015 PMID: 25741868, with internal and published modifications).